The following is an entry in ClinVar:

NM_000784.4(CYP27A1):c.765_766del (p.Phe256fs)

Gene: CYP27A1 (cytochrome P450 family 27 subfamily A member 1; plus strand). Cytogenetic location: 2q35.
Variant type: Deletion.
Coding change: c.765_766del on transcript NM_000784.4 (MANE Select); coding-DNA positions 765 to 766, 2 bases deleted (CT; older notation c.765_766delCT).
Protein change: p.Phe256fs; shifts the reading frame from phenylalanine 256.
Molecular consequence: frameshift variant.
Genome position (GRCh38, 1-based): chr2:218,812,670-218,812,671, CT deleted. VCF-style (leftmost placement, unchanged base first): chr2-218812669-CCT-C. GRCh37 (hg19) VCF-style: chr2-219677392-CCT-C.
Other names: short protein forms F256fs.
Identifiers: ClinVar variation 1457428 (VCV001457428.6), dbSNP rs2105980214, ClinGen allele CA2573135314.

ClinVar aggregate classification (germline): Pathogenic (1 of 4 stars; one submission).

Conditions:
Cholestanol storage disease (CTX). Also called: CTX: Cerebrotendinous xanthomatosis; CEREBRAL CHOLESTERINOSIS; Cerebrotendinous Xanthomatosis. Identifiers: Orphanet 909, MedGen C0238052, MONDO:0008948, OMIM 213700.

Submission:

Labcorp Genetics (formerly Invitae), Labcorp
Classification: Pathogenic for Cholestanol storage disease. Last evaluated: 2022-10-25. Review status: criteria provided, single submitter. Criteria: Invitae Variant Classification Sherloc (09022015). Collection method: clinical testing. Allele origin: germline.
Comment: This sequence change creates a premature translational stop signal (p.Phe256Profs*31) in the CYP27A1 gene. It is expected to result in an absent or disrupted protein product. Loss-of-function variants in CYP27A1 are known to be pathogenic (PMID: 9392430, 10775536, 26937392). This variant is not present in population databases (gnomAD no frequency). This variant has not been reported in the literature in individuals affected with CYP27A1-related conditions. ClinVar contains an entry for this variant (Variation ID: 1457428). Algorithms developed to predict the effect of sequence changes on RNA splicing suggest that this variant may disrupt the consensus splice site. For these reasons, this variant has been classified as Pathogenic.

Literature cited by the submitters: PubMed 9392430; PubMed 10775536; PubMed 26937392.